The following is an entry in ClinVar:

ClinVar aggregate classification (germline): Benign/Likely benign. Review status: criteria provided, multiple submitters, no conflicts (2 of 4 stars). 4 submissions from 4 submitters: Benign (1); Likely benign (3). Last evaluated 2026-07-10.

Conditions:
Rhabdoid tumor predisposition syndrome 2 (RTPS2). Identifiers: Orphanet 231108, Orphanet 69077, MedGen C2750074, MONDO:0013224, OMIM 613325.
Hereditary cancer-predisposing syndrome. Also called: Hereditary neoplastic syndrome; Neoplastic Syndromes, Hereditary; Tumor predisposition; Hereditary Cancer Syndrome. Identifiers: Orphanet 140162, MedGen C0027672, MeSH D009386, MONDO:0015356.

Allele frequency attached by ClinVar (database versions not stated): TOPMed 0.00001.
gnomAD v4.1: 3 of 1,614,072 alleles (0.00019%); highest among the groups gnomAD compares: Non-Finnish European, 0.00025%; no homozygotes.

Submissions (4):

Myriad Genetics, Inc.
Classification: Benign for Rhabdoid tumor predisposition syndrome 2. Last evaluated: 2026-07-10. Review status: criteria provided, single submitter. Criteria: Myriad Autosomal Dominant, Autosomal Recessive and X-Linked Classification Criteria (2023). Collection method: clinical testing. Allele origin: unknown.
Comment: This variant is considered benign. This variant is a silent/synonymous amino acid change and it is not expected to impact splicing.

Labcorp Genetics (formerly Invitae), Labcorp
Classification: Likely benign for Rhabdoid tumor predisposition syndrome 2. Last evaluated: 2026-02-03. Review status: criteria provided, single submitter. Criteria: Invitae Variant Classification Sherloc (09022015). Collection method: clinical testing. Allele origin: germline.

Sema4
Classification: Likely benign for Hereditary cancer-predisposing syndrome. Last evaluated: 2021-08-25. Review status: criteria provided, single submitter. Criteria: Sema4 Curation Guidelines. Collection method: curation. Allele origin: germline.

Ambry Genetics
Classification: Likely benign for Hereditary cancer-predisposing syndrome. Last evaluated: 2015-12-09. Review status: criteria provided, single submitter. Criteria: Ambry Variant Classification Scheme 2023. Collection method: clinical testing. Allele origin: germline.

NM_003072.5(SMARCA4):c.1929C>T (p.Leu643=)

Gene: SMARCA4 (SWI/SNF related BAF chromatin remodeling complex subunit ATPase 4; plus strand). Cytogenetic location: 19p13.2.
Variant type: single nucleotide variant.
Coding change: c.1929C>T on transcript NM_003072.5 (MANE Select); coding-DNA position 1929, C replaced by T.
Protein change: p.Leu643=; no amino-acid change (leucine 643 retained).
Molecular consequence: synonymous variant. On other transcripts: non-coding transcript variant (1).
Genome position (GRCh38, 1-based): chr19:11,003,145, C>T. VCF-style: chr19-11003145-C-T. GRCh37 (hg19) VCF-style: chr19-11113821-C-T.
Other names: c.1929C>T, p.Leu643= (NM_001128844.3, NM_001128845.2, NM_001128846.2 and 4 more transcripts).
Identifiers: ClinVar variation 820363 (VCV000820363.13), dbSNP rs1415322316, ClinGen allele CA505486392.